The following is an entry in ClinVar:

NM_001195248.2(APTX):c.37C>T (p.Arg13Trp)

Gene: APTX (aprataxin; minus strand). Cytogenetic location: 9p21.1.
Variant type: single nucleotide variant.
Coding change: c.37C>T on transcript NM_001195248.2 (MANE Select); coding-DNA position 37, C replaced by T.
Protein change: p.Arg13Trp; replaces arginine 13 with tryptophan.
Molecular consequence: missense variant. On other transcripts: 5 prime UTR variant (8), non-coding transcript variant (13).
Genome position (GRCh38, 1-based): chr9:32,989,855, G>A on the plus strand (C>T on the coding strand, the complement: APTX is on the minus strand). VCF-style: chr9-32989855-G-A. GRCh37 (hg19) VCF-style: chr9-32989853-G-A.
Other names: c.37C>T, p.Arg13Trp (NM_001195249.2, NM_001195250.2, NM_001195251.2 and 11 more transcripts); c.-223C>T (NM_001369002.1, NM_001369003.1, NM_001369005.1 and 4 more transcripts); c.-181C>T (NM_001369004.1); c.-371C>T (NM_175071.1); short protein forms R13W.
Identifiers: ClinVar variation 1925413 (VCV001925413.5), dbSNP rs779371017, ClinGen allele CA5022669.

ClinVar aggregate classification (germline): Uncertain significance (1 of 4 stars; one submission).

Allele frequency attached by ClinVar (database versions not stated): ExAC 0.00001; gnomAD exomes 0.00002; gnomAD 0.00003; TOPMed 0.00003.
gnomAD v4.1: 14 of 1,614,056 alleles (0.00087%); highest among the groups gnomAD compares: African/African-American, 0.0013%; no homozygotes.

Submission:

Labcorp Genetics (formerly Invitae), Labcorp
Classification: Uncertain significance. Last evaluated: 2022-04-13. Review status: criteria provided, single submitter. Criteria: Invitae Variant Classification Sherloc (09022015). Collection method: clinical testing. Allele origin: germline.
Comment: In summary, the available evidence is currently insufficient to determine the role of this variant in disease. Therefore, it has been classified as a Variant of Uncertain Significance. Algorithms developed to predict the effect of missense changes on protein structure and function output the following: SIFT: "Tolerated"; PolyPhen-2: "Benign"; Align-GVGD: "Class C0". The tryptophan amino acid residue is found in multiple mammalian species, which suggests that this missense change does not adversely affect protein function. This variant has not been reported in the literature in individuals affected with APTX-related conditions. This variant is present in population databases (rs779371017, gnomAD 0.003%). This sequence change replaces arginine, which is basic and polar, with tryptophan, which is neutral and slightly polar, at codon 13 of the APTX protein (p.Arg13Trp).